The following is an entry in ClinVar:

ClinVar aggregate classification (germline): Benign. Review status: criteria provided, multiple submitters, no conflicts (2 of 4 stars). 3 submissions from 3 submitters: Benign (2). 1 of the submissions does not count toward it. Last evaluated 2026-01-13.

Conditions:
SLIT2-related disorder. Also called: SLIT2-related condition.

Allele frequency attached by ClinVar (database versions not stated): gnomAD exomes 0.00037 and 0.00096; ExAC 0.00121; ESP Exome Variant Server 0.00377; gnomAD 0.00388 and 0.00414; TOPMed 0.00424; 1000 Genomes Project 0.00439; 1000 Genomes Project 30x 0.00468.
gnomAD v4.1: 1,179 of 1,600,000 alleles (0.074%); highest among the groups gnomAD compares: African/African-American, 1.4%; 16 homozygotes.

Submissions (3):

Labcorp Genetics (formerly Invitae), Labcorp
Classification: Benign. Last evaluated: 2026-01-13. Review status: criteria provided, single submitter. Criteria: Invitae Variant Classification Sherloc (09022015). Collection method: clinical testing. Allele origin: germline.

Breakthrough Genomics
Classification: Benign. Review status: criteria provided, single submitter. Criteria: ACMG Guidelines, 2015. Collection method: not provided. Allele origin: germline. Inheritance: Unknown mechanism. Affected: yes.

PreventionGenetics, part of Exact Sciences
Classification: Benign for SLIT2-related condition. Last evaluated: 2019-10-28. Review status: no assertion criteria provided. Collection method: clinical testing. Allele origin: germline. Not counted in ClinVar's aggregate classification.
Comment: This variant is classified as benign based on ACMG/AMP sequence variant interpretation guidelines (Richards et al. 2015 PMID: 25741868, with internal and published modifications).

NM_004787.4(SLIT2):c.27G>C (p.Leu9=)

Gene: SLIT2 (slit guidance ligand 2; plus strand). Cytogenetic location: 4p15.31.
Variant type: single nucleotide variant.
Coding change: c.27G>C on transcript NM_004787.4 (MANE Select); coding-DNA position 27, G replaced by C.
Protein change: p.Leu9=; no amino-acid change (leucine 9 retained).
Molecular consequence: synonymous variant.
Genome position (GRCh38, 1-based): chr4:20,253,842, G>C. VCF-style: chr4-20253842-G-C. GRCh37 (hg19) VCF-style: chr4-20255465-G-C.
Other names: c.27G>C, p.Leu9= (NM_001289135.3, NM_001289136.3).
Identifiers: ClinVar variation 712547 (VCV000712547.12), dbSNP rs112461473, ClinGen allele CA2870930.